The following is an entry in ClinVar:

ClinVar aggregate classification (germline): Pathogenic (1 of 4 stars; one submission).

Submission:

Labcorp Genetics (formerly Invitae), Labcorp
Classification: Pathogenic. Last evaluated: 2024-01-28. Review status: criteria provided, single submitter. Criteria: Invitae Variant Classification Sherloc (09022015). Collection method: clinical testing. Allele origin: germline.
Comment: This sequence change creates a premature translational stop signal (p.Pro76Argfs*64) in the HMOX1 gene. It is expected to result in an absent or disrupted protein product. Loss-of-function variants in HMOX1 are known to be pathogenic (PMID: 9884342, 21088618). This variant is not present in population databases (gnomAD no frequency). This variant has not been reported in the literature in individuals affected with HMOX1-related conditions. For these reasons, this variant has been classified as Pathogenic.

Literature cited by the submitters: PubMed 9884342; PubMed 21088618.

NM_002133.3(HMOX1):c.227_228del (p.Pro76fs)

Gene: HMOX1 (heme oxygenase 1; plus strand). Cytogenetic location: 22q12.3.
Variant type: Deletion.
Coding change: c.227_228del on transcript NM_002133.3 (MANE Select); coding-DNA positions 227 to 228, 2 bases deleted (CT; older notation c.227_228delCT).
Protein change: p.Pro76fs; shifts the reading frame from proline 76.
Molecular consequence: frameshift variant.
Genome position (GRCh38, 1-based): chr22:35,386,767-35,386,768, CT deleted. VCF-style (leftmost placement, unchanged base first): chr22-35386766-CCT-C. GRCh37 (hg19) VCF-style: chr22-35782759-CCT-C.
Other names: short protein forms P76fs.
Identifiers: ClinVar variation 2990917 (VCV002990917.3), dbSNP rs2517863960, ClinGen allele CA2577699869.
Genomic context (GRCh38, chr22:35,386,766, plus strand): 5'-CACATCTATGTGGCCCTGGAGGAGGAGATTGAGCGCAACAAGGAGAGCCCAGTCTTCGCC[CCT>C]GTCTACTTCCCAGAAGAGCTGCACCGCAAGGCTGCCCTGGAGCAGGACCTGGCCTTCTGG-3'